The following is an entry in ClinVar:

ClinVar aggregate classification (germline): Uncertain significance (1 of 4 stars; one submission).

Submission:

GeneDx
Classification: Uncertain significance. Last evaluated: 2017-06-26. Review status: criteria provided, single submitter. Criteria: GeneDx Variant Classification (06012015). Collection method: clinical testing. Allele origin: germline. Affected: yes.
Comment: The S363L variant in the WNK1gene has not been reported previously as a pathogenic variant, nor as a benign variant, to our knowledge. The S363L variant is not observed in large population cohorts (Lek et al., 2016; 1000 Genomes Consortium et al., 2015; Exome Variant Server). The S363L variant is a non-conservative amino acid substitution, which is likely to impact secondary protein structure as these residues differ in polarity, charge, size and/or other properties. This substitution occurs at a position that is conserved across species. In silico analysis predicts this variant is probably damaging to the protein structure/function. We interpret S363L as a variant of uncertain significance.

NM_018979.4(WNK1):c.1088C>T (p.Ser363Leu)

Gene: WNK1 (WNK lysine deficient protein kinase 1; plus strand). Cytogenetic location: 12p13.33.
Variant type: single nucleotide variant.
Coding change: c.1088C>T on transcript NM_018979.4 (MANE Select); coding-DNA position 1088, C replaced by T.
Protein change: p.Ser363Leu; replaces serine 363 with leucine.
Molecular consequence: missense variant.
Genome position (GRCh38, 1-based): chr12:827,197, C>T. VCF-style: chr12-827197-C-T. GRCh37 (hg19) VCF-style: chr12-936363-C-T.
Other names: c.1088C>T, p.Ser363Leu (NM_001184985.2, NM_014823.3, NM_213655.5); short protein forms S363L.
Identifiers: ClinVar variation 450021 (VCV000450021.2), dbSNP rs1555112931, ClinGen allele CA383328137.
Genomic context (GRCh38, chr12:827,197, plus strand): 5'-CACCTATCATTCACCGCGATCTTAAATGTGACAACATCTTTATCACCGGCCCTACTGGCT[C>T]AGTCAAGATTGGAGACCTCGGTCTGGCAACCCTGAAGCGGGCTTCTTTTGCCAAGAGTGT-3'
Protein context (NP_061852.3, residues 353-373): DNIFITGPTG[Ser363Leu]VKIGDLGLAT